The following is an entry in ClinVar:

ClinVar aggregate classification (germline): Conflicting classifications of pathogenicity. Review status: criteria provided, conflicting classifications (1 of 4 stars). 8 submissions from 8 submitters: Uncertain significance (7); Likely benign (1). Last evaluated 2026-08-27.

Conditions:
DSP-related disorder. Also called: DSP-related disorders; DSP-related condition.
Cardiomyopathy, dilated, with wooly hair, keratoderma, and tooth agenesis. Also called: Cardiomyopathy, dilated, with woolly hair, keratoderma, and tooth agenesis; Erythrokeratodermia-cardiomyopathy syndrome. Identifiers: Orphanet 476096, Orphanet 65282, MedGen C4014393, MONDO:0014355, OMIM 615821.
Woolly hair-skin fragility syndrome (WHSF). Identifiers: Orphanet 293165, MedGen C1843292, MONDO:0957307, OMIM 620415.
Lethal acantholytic epidermolysis bullosa (EBLA). Identifiers: Orphanet 158687, MedGen C1864826, MONDO:0012323, OMIM 609638.
Arrhythmogenic cardiomyopathy with wooly hair and keratoderma. Also called: PALMOPLANTAR KERATODERMA WITH LEFT VENTRICULAR CARDIOMYOPATHY AND WOOLLY HAIR; Carvajal syndrome; Arrhythmogenic cardiomyopathy with woolly hair and keratoderma; Dilated cardiomyopathy with woolly hair and keratoderma. Identifiers: Orphanet 65282, MedGen C1854063, MONDO:0011581, OMIM 605676.
Keratosis palmoplantaris striata 2. Also called: KERATODERMA, PALMOPLANTAR, STRIATE FORM II; STRIATE PALMOPLANTAR KERATODERMA II; Keratosis palmoplantaris striata II. Identifiers: MedGen C1852127, MONDO:0013034, OMIM 612908.
Arrhythmogenic right ventricular dysplasia 8 (ARVD8). Also called: ARRHYTHMOGENIC RIGHT VENTRICULAR DYSPLASIA, FAMILIAL, 8; ARRHYTHMOGENIC RIGHT VENTRICULAR CARDIOMYOPATHY 8; Arrhythmogenic Right Ventricular Dysplasia/Cardiomyopathy 8. Identifiers: MedGen C1843896, MONDO:0011831, OMIM 607450.
Cardiovascular phenotype. Identifiers: MedGen CN230736.
Cardiomyopathy (CMYO). Also called: Cardiomyopathies. Identifiers: Orphanet 167848, MedGen C0878544, MONDO:0004994, HP:0001638. Inheritance: Various modes of inheritance.

Allele frequency attached by ClinVar (database versions not stated): TOPMed 0.00005; gnomAD 0.00006 and 0.00007; gnomAD exomes 0.00006 and 0.00007; ExAC 0.00009.
gnomAD v4.1: 123 of 1,613,964 alleles (0.0076%); highest among the groups gnomAD compares: Non-Finnish European, 0.0092%; no homozygotes.

Submissions (9):

PreventionGenetics, part of Exact Sciences
Classification: Uncertain significance for DSP-related condition. Last evaluated: 2026-08-27. Review status: criteria provided, single submitter. Criteria: ACMG Guidelines, 2015. Collection method: clinical testing. Allele origin: germline.
Comment: The DSP c.3836C>T variant is predicted to result in the amino acid substitution p.Ala1279Val. To our knowledge, this variant has not been reported in the literature. This variant is reported in 0.012% of alleles in individuals of European (Non-Finnish) descent in gnomAD. At this time, the clinical significance of this variant is uncertain due to the absence of conclusive functional and genetic evidence.

Women's Health and Genetics/Laboratory Corporation of America, LabCorp
Classification: Uncertain significance. Last evaluated: 2026-04-29. Review status: criteria provided, single submitter. Criteria: LabCorp Variant Classification Summary - May 2015. Collection method: clinical testing. Allele origin: germline.
Comment: Variant summary: DSP c.3836C>T (p.Ala1279Val) results in a non-conservative amino acid change in the encoded protein sequence. Algorithms developed to predict the effect of missense changes on protein structure and function all suggest that this variant is likely to be disruptive. The variant allele was found at a frequency of 6.4e-05 in 250860 control chromosomes. This frequency is not significantly higher than estimated for disease-causing variants in DSP, allowing no conclusion about variant significance. c.3836C>T has been observed in individual(s) affected with dilated cardiomyopathy without evidence for causality (e.g. Jones_2024). These report(s) do not provide unequivocal conclusions about association of the variant with Arrhythmogenic Right Ventricular Dysplasia/Cardiomyopathy. To our knowledge, no experimental evidence demonstrating an impact on protein function has been reported. The following publication has been ascertained in the context of this evaluation (PMID: 37702310). ClinVar contains an entry for this variant (Variation ID: 418606). Based on the evidence outlined above, the variant was classified as uncertain significance.

Labcorp Genetics (formerly Invitae), Labcorp
Classification: Likely benign for Arrhythmogenic cardiomyopathy with wooly hair and keratoderma; Arrhythmogenic right ventricular dysplasia 8. Last evaluated: 2025-10-28. Review status: criteria provided, single submitter. Criteria: Invitae Variant Classification Sherloc (09022015). Collection method: clinical testing. Allele origin: germline.

All of Us Research Program, National Institutes of Health
Classification: Uncertain significance for Arrhythmogenic cardiomyopathy with wooly hair and keratoderma. Last evaluated: 2024-09-27. Review status: criteria provided, single submitter. Criteria: ACMG Guidelines, 2015. Collection method: clinical testing. Allele origin: germline. Inheritance: Autosomal dominant inheritance. Observed: 15 variant alleles, 15 heterozygotes.
Comment: This missense variant replaces alanine with valine at codon 1279 of the DSP protein. Computational prediction suggests that this variant may not impact protein structure and function (internally defined REVEL score threshold <= 0.5, PMID: 27666373). To our knowledge, functional studies have not been reported for this variant. This variant has not been reported in individuals affected with cardiovascular disorders in the literature. This variant has been identified in 17/282254 chromosomes in the general population by the Genome Aggregation Database (gnomAD). The available evidence is insufficient to determine the role of this variant in disease conclusively. Therefore, this variant is classified as a Variant of Uncertain Significance.

This study involves interpretation of variants in research participants for the purpose of population health screening. Participant phenotype was not available at the time of variant classification. Additional details can be found in publication PMID: 35346344, PMCID: PMC8962531

Ambry Genetics
Classification: Uncertain significance for Cardiovascular phenotype. Last evaluated: 2024-03-16. Review status: criteria provided, single submitter. Criteria: Ambry Variant Classification Scheme 2023. Collection method: clinical testing. Allele origin: germline.
Comment: The p.A1279V variant (also known as c.3836C>T), located in coding exon 23 of the DSP gene, results from a C to T substitution at nucleotide position 3836. The alanine at codon 1279 is replaced by valine, an amino acid with similar properties. This amino acid position is conserved. In addition, the in silico prediction for this alteration is inconclusive. Since supporting evidence is limited at this time, the clinical significance of this alteration remains unclear.

Color Diagnostics, LLC DBA Color Health
Classification: Uncertain significance for Cardiomyopathy. Last evaluated: 2024-03-06. Review status: criteria provided, single submitter. Criteria: ACMG Guidelines, 2015. Collection method: clinical testing. Allele origin: germline.
Comment: This missense variant replaces alanine with valine at codon 1279 of the DSP protein. Computational prediction tools indicate that this variant has a neutral impact on protein structure and function. To our knowledge, functional studies have not been reported for this variant. This variant has not been reported in individuals affected with DSP-related disorders in the literature. This variant has been identified in 17/282254 chromosomes in the general population by the Genome Aggregation Database (gnomAD). The available evidence is insufficient to determine the role of this variant in disease conclusively. Therefore, this variant is classified as a Variant of Uncertain Significance.

GeneDx
Classification: Uncertain significance. Last evaluated: 2022-04-28. Review status: criteria provided, single submitter. Criteria: GeneDx Variant Classification Process June 2021. Collection method: clinical testing. Allele origin: germline. Affected: yes.
Comment: Has not been previously published as pathogenic or benign to our knowledge; In silico analysis supports that this missense variant does not alter protein structure/function

Fulgent Genetics
Classification: Uncertain significance for Arrhythmogenic cardiomyopathy with wooly hair and keratoderma; Arrhythmogenic right ventricular dysplasia 8; Lethal acantholytic epidermolysis bullosa; Keratosis palmoplantaris striata 2; Cardiomyopathy, dilated, with wooly hair, keratoderma, and tooth agenesis. Last evaluated: 2021-10-01. Review status: criteria provided, single submitter. Criteria: ACMG Guidelines, 2015. Collection method: clinical testing. Allele origin: unknown.

Dr. Peter K. Rogan Lab, Western University
No classification provided (evidence only). Condition: Thyroid cancer, nonmedullary, 1. Review status: no classification provided. Collection method: in vitro. Allele origin: not applicable. Functional consequence: skipped exon, retained intron. Not counted in ClinVar's aggregate classification.

Literature cited by the submitters: PubMed 37702310 (cited by Women's Health and Genetics/Laboratory Corporation of America, LabCorp).

NM_004415.4(DSP):c.3836C>T (p.Ala1279Val)

Gene: DSP (desmoplakin; plus strand). Cytogenetic location: 6p24.3.
Variant type: single nucleotide variant.
Coding change: c.3836C>T on transcript NM_004415.4 (MANE Select); coding-DNA position 3836, C replaced by T.
Protein change: p.Ala1279Val; replaces alanine 1279 with valine.
Molecular consequence: missense variant. On other transcripts: intron variant (1).
Genome position (GRCh38, 1-based): chr6:7,580,026, C>T. VCF-style: chr6-7580026-C-T. GRCh37 (hg19) VCF-style: chr6-7580259-C-T.
Other names: c.3836C>T (LRG_423t1, NM_004415.3); c.3836C>T, p.Ala1279Val (NM_001319034.2); c.3582+254C>T (NM_001008844.3); short protein forms A1279V.
Identifiers: ClinVar variation 418606 (VCV000418606.25), dbSNP rs753270443, ClinGen allele CA039173.
Genomic context (GRCh38, chr6:7,580,026, plus strand): 5'-GCATCTTGCAGGCCACTGAGCAGCGAAGGCGAGCTGAAGAAAACGCCCTTCAGCAAAAGG[C>T]CTGTGGCTCTGAGATAATGCAGAAGAAGCAGCATCTGGAGATAGAACTGAAGCAGGTCAT-3'
Protein context (NP_004406.2, residues 1269-1289): RAEENALQQK[Ala1279Val]CGSEIMQKKQ